The following is an entry in ClinVar:

ClinVar aggregate classification (germline): Uncertain significance. Review status: criteria provided, multiple submitters, no conflicts (2 of 4 stars). 2 submissions from 2 submitters: Uncertain significance (2). Last evaluated 2025-01-15.

Conditions:
Inborn genetic diseases. Identifiers: MedGen C0950123, MeSH D030342.

gnomAD v4.1: 6 of 1,614,050 alleles (0.00037%); highest among the groups gnomAD compares: South Asian, 0.0011%; no homozygotes.

Submissions (2):

Ambry Genetics
Classification: Uncertain significance for Inborn genetic diseases. Last evaluated: 2025-01-15. Review status: criteria provided, single submitter. Criteria: Ambry Variant Classification Scheme 2023. Collection method: clinical testing. Allele origin: germline.

GeneDx
Classification: Uncertain significance. Last evaluated: 2023-12-18. Review status: criteria provided, single submitter. Criteria: GeneDx Variant Classification Process June 2021. Collection method: clinical testing. Allele origin: germline. Affected: yes.
Comment: In silico analysis supports that this missense variant does not alter protein structure/function; Has not been previously published as pathogenic or benign to our knowledge

NM_001003694.2(BRPF1):c.3631G>A (p.Glu1211Lys)

Gene: BRPF1 (bromodomain and PHD finger containing 1; plus strand). Cytogenetic location: 3p25.3.
Variant type: single nucleotide variant.
Coding change: c.3631G>A on transcript NM_001003694.2 (MANE Select); coding-DNA position 3631, G replaced by A.
Protein change: p.Glu1211Lys; replaces glutamic acid 1211 with lysine.
Molecular consequence: missense variant. On other transcripts: non-coding transcript variant (1).
Genome position (GRCh38, 1-based): chr3:9,747,317, G>A. VCF-style: chr3-9747317-G-A. GRCh37 (hg19) VCF-style: chr3-9789001-G-A.
Other names: c.3328G>A, p.Glu1110Lys (NM_001319049.2); c.3610G>A, p.Glu1204Lys (NM_001319050.2); c.3628G>A, p.Glu1210Lys (NM_001410704.1); c.3613G>A, p.Glu1205Lys (NM_004634.3); short protein forms E1110K, E1204K, E1205K, E1210K, E1211K.
Identifiers: ClinVar variation 3369945 (VCV003369945.2).